The following is an entry in ClinVar:

ClinVar aggregate classification (germline): Conflicting classifications of pathogenicity. Review status: criteria provided, conflicting classifications (1 of 4 stars). 3 submissions from 2 submitters: Uncertain significance (1); Likely benign (2). Last evaluated 2018-01-13.

Conditions:
Maturity-onset diabetes of the young (MODY). Also called: Maturity onset diabetes mellitus in young. Identifiers: Orphanet 552, MedGen C0342276, MONDO:0018911, HP:0004904.
Maturity-onset diabetes of the young type 1. Also called: MODY type 1; Diabetes mellitus MODY type 1; MODY HNF4A related; MILD JUVENILE DIABETES MELLITUS; HNF4A-Related Maturity-Onset Diabetes of the Young Type 1; MODY, type I. Identifiers: Orphanet 552, MedGen C1852093, MONDO:0007452, OMIM 125850. Disease mechanism: loss of function.
Familial hyperinsulinism. Also called: Congenital hyperinsulinism. Identifiers: Orphanet 276525, MedGen C3888018, MONDO:0017182. Disease mechanism: loss of function.

Allele frequency attached by ClinVar (database versions not stated): ExAC 0.00002; gnomAD exomes 0.00002 and 0.00003; TOPMed 0.00004.
gnomAD v4.1: 15 of 1,614,108 alleles (0.00093%); highest among the groups gnomAD compares: East Asian, 0.033%; no homozygotes.

Submissions (3):

Illumina Laboratory Services, Illumina
Classification: Likely benign for Maturity-onset diabetes of the young type 1. Last evaluated: 2018-01-13. Review status: criteria provided, single submitter. Criteria: ICSL Variant Classification Criteria 13 December 2019. Collection method: clinical testing. Allele origin: germline.
Comment: This variant was observed in the ICSL laboratory as part of a predisposition screen in an ostensibly healthy population. It had not been previously curated by ICSL or reported in the Human Gene Mutation Database (HGMD: prior to June 1st, 2018), and was therefore a candidate for classification through an automated scoring system. Utilizing variant allele frequency, disease prevalence and penetrance estimates, and inheritance mode, an automated score was calculated to assess if this variant is too frequent to cause the disease. Based on the score and internal cut-off values, a variant classified as likely benign is not then subjected to further curation. The score for this variant resulted in a classification of likely benign for this disease.

Illumina Laboratory Services, Illumina
Classification: Uncertain significance for Familial hyperinsulinism. Last evaluated: 2018-01-13. Review status: criteria provided, single submitter. Criteria: ICSL Variant Classification Criteria 13 December 2019. Collection method: clinical testing. Allele origin: germline.

Clinical Genomics, Uppaluri K&H Personalized Medicine Clinic
Classification: Likely benign for Maturity-onset diabetes of the young. Review status: criteria provided, single submitter. Criteria: K & H Uppaluri Personalized Medicine Clinic Variant Classification & Assertion Criteria_Updated V.1. Collection method: research. Allele origin: unknown. Inheritance: Autosomal dominant inheritance.
Comment: Potent mutations in HNF4A are associated with poor insulin secretion in response to hyperglycemia. Associated with MODY1. Patients initially respond well to sulfonylureas but eventually become insulin dependent. However, more evidence is required to ascertain the role of this particular variant rs758836138 in MODY, yet.

Literature cited by the submitters: DOI 10.1159/000334532 (cited by Clinical Genomics, Uppaluri K&H Personalized Medicine Clinic); PubMed 18268044 (cited by Clinical Genomics, Uppaluri K&H Personalized Medicine Clinic); PubMed 17563455 (cited by Clinical Genomics, Uppaluri K&H Personalized Medicine Clinic); PubMed 32583173 (cited by Clinical Genomics, Uppaluri K&H Personalized Medicine Clinic); PubMed 35052457 (cited by Clinical Genomics, Uppaluri K&H Personalized Medicine Clinic); PubMed 35118593 (cited by Clinical Genomics, Uppaluri K&H Personalized Medicine Clinic).

NM_175914.5(HNF4A):c.1020C>G (p.Gly340=)

Gene: HNF4A (hepatocyte nuclear factor 4 alpha; plus strand). Cytogenetic location: 20q13.12.
Variant type: single nucleotide variant.
Coding change: c.1020C>G on transcript NM_175914.5 (MANE Select); coding-DNA position 1020, C replaced by G.
Protein change: p.Gly340=; no amino-acid change (glycine 340 retained).
Molecular consequence: synonymous variant.
Genome position (GRCh38, 1-based): chr20:44,424,211, C>G. VCF-style: chr20-44424211-C-G. GRCh37 (hg19) VCF-style: chr20-43052851-C-G.
Other names: c.1086C>G, p.Gly362= (NM_000457.6, NM_178849.3, NM_178850.3); c.1020C>G, p.Gly340= (NM_001030003.3, NM_001030004.3); c.1065C>G, p.Gly355= (NM_001258355.2); c.1011C>G, p.Gly337= (NM_001287182.2, NM_001287183.2, NM_001287184.2).
Identifiers: ClinVar variation 896610 (VCV000896610.5), dbSNP rs758836138, ClinGen allele CA9870430.